The following is an entry in ClinVar:

ClinVar aggregate classification (germline): Uncertain significance. Review status: criteria provided, multiple submitters, no conflicts (2 of 4 stars). 2 submissions from 2 submitters: Uncertain significance (2). Last evaluated 2019-05-23.

Conditions:
Fetal akinesia deformation sequence 1 (FADS1). Also called: Pena-Shokeir syndrome type I; Fetal akinesia sequence. Identifiers: Orphanet 994, MedGen C1276035, MONDO:0100101, OMIM 208150, HP:0001989.
Congenital myasthenic syndrome 9. Also called: Myasthenic syndrome, congenital, 9, associated with acetylcholine receptor deficiency. Identifiers: Orphanet 590, MedGen C4225368, MONDO:0014587, OMIM 616325.

Allele frequency attached by ClinVar (database versions not stated): gnomAD exomes 0.00001.

Submissions (2):

Revvity Omics, Revvity
Classification: Uncertain significance. Last evaluated: 2019-05-23. Review status: criteria provided, single submitter. Criteria: ACMG Guidelines, 2015. Collection method: clinical testing. Allele origin: germline.

Labcorp Genetics (formerly Invitae), Labcorp
Classification: Uncertain significance for Congenital myasthenic syndrome 9; Fetal akinesia deformation sequence 1. Last evaluated: 2018-06-25. Review status: criteria provided, single submitter. Criteria: Invitae Variant Classification Sherloc (09022015). Collection method: clinical testing. Allele origin: germline.
Comment: This variant is not present in population databases (ExAC no frequency). This variant has not been reported in the literature in individuals with MUSK-related disease. Algorithms developed to predict the effect of missense changes on protein structure and function (SIFT, PolyPhen-2, Align-GVGD) all suggest that this variant is likely to be disruptive, but these predictions have not been confirmed by published functional studies and their clinical significance is uncertain. In summary, the available evidence is currently insufficient to determine the role of this variant in disease. Therefore, it has been classified as a Variant of Uncertain Significance. This sequence change replaces proline with serine at codon 241 of the MUSK protein (p.Pro241Ser). The proline residue is highly conserved and there is a moderate physicochemical difference between proline and serine.

NM_005592.4(MUSK):c.721C>T (p.Pro241Ser)

Gene: MUSK (muscle associated receptor tyrosine kinase; plus strand). Cytogenetic location: 9q31.3.
Variant type: single nucleotide variant.
Coding change: c.721C>T on transcript NM_005592.4 (MANE Select); coding-DNA position 721, C replaced by T.
Protein change: p.Pro241Ser; replaces proline 241 with serine.
Molecular consequence: missense variant. On other transcripts: 5 prime UTR variant (1).
Genome position (GRCh38, 1-based): chr9:110,734,343, C>T. VCF-style: chr9-110734343-C-T. GRCh37 (hg19) VCF-style: chr9-113496623-C-T.
Other names: c.751C>T, p.Pro251Ser (NM_001166280.2); c.721C>T, p.Pro241Ser (NM_001166281.2); c.-516C>T (NM_001369398.1); short protein forms P241S, P251S.
Identifiers: ClinVar variation 580956 (VCV000580956.11), dbSNP rs1564253296, ClinGen allele CA374667877.
Genomic context (GRCh38, chr9:110,734,343, plus strand): 5'-CACAATGTCACCTTTGGCTCCTTTGTGACCCTGCACTGTACAGCAACAGGCATTCCTGTC[C>T]CCACCATCACCTGGATTGAAAACGGAAATGCTGTGAGTGTCATGTGTGTGGGGACTTGTC-3'
Protein context (NP_005583.1, residues 231-251): LHCTATGIPV[Pro241Ser]TITWIENGNA